The following is an entry in ClinVar:

NM_080425.4(GNAS):c.1876C>A (p.Pro626Thr)

Gene: GNAS (GNAS complex locus; plus strand). Cytogenetic location: 20q13.32.
Variant type: single nucleotide variant.
Coding change: c.1876C>A on transcript NM_080425.4 (MANE Plus Clinical); coding-DNA position 1876, C replaced by A.
Protein change: p.Pro626Thr; replaces proline 626 with threonine.
Molecular consequence: missense variant. On other transcripts: synonymous variant (2), intron variant (3).
Genome position (GRCh38, 1-based): chr20:58,855,141, C>A. VCF-style: chr20-58855141-C-A. GRCh37 (hg19) VCF-style: chr20-57430196-C-A.
Other names: c.1689C>A, p.Val563= (NM_001077490.3, NM_001309883.1); c.1876C>A, p.Pro626Thr (NM_001410913.1); c.*42+14255C>A (NM_016592.5); c.43+14255C>A (NM_001410912.1); c.-39+13266C>A (NM_001309861.2); short protein forms P626T.
Identifiers: ClinVar variation 3357319 (VCV003357319.1).

ClinVar aggregate classification (germline): Uncertain significance (0 of 4 stars; one submission).

Conditions:
GNAS-related disorder. Identifiers: MedGen CN380105.

gnomAD v4.1: 5 of 1,613,414 alleles (0.00031%); highest among the groups gnomAD compares: Non-Finnish European, 0.00042%; no homozygotes.

Submission:

PreventionGenetics, part of Exact Sciences
Classification: Uncertain significance for GNAS-related condition. Last evaluated: 2024-02-02. Review status: no assertion criteria provided. Collection method: clinical testing. Allele origin: germline.
Comment: The GNAS c.1876C>A variant is predicted to result in the amino acid substitution p.Pro626Thr. This variant corresponds to NM_000516.5:c.-36586C>A (Pre-Coding) on the primary transcript for this gene. To our knowledge, this variant has not been reported in the literature. This variant is reported in 0.00090% of alleles in individuals of European (Non-Finnish) descent in gnomAD. At this time, the clinical significance of this variant is uncertain due to the absence of conclusive functional and genetic evidence.